The following is an entry in ClinVar:

ClinVar aggregate classification (germline): Uncertain significance (1 of 4 stars; one submission).

Conditions:
Cardiovascular phenotype. Identifiers: MedGen CN230736.

Submission:

Ambry Genetics
Classification: Uncertain significance for Cardiovascular phenotype. Last evaluated: 2026-02-14. Review status: criteria provided, single submitter. Criteria: Ambry Variant Classification Scheme 2023. Collection method: clinical testing. Allele origin: germline.
Comment: The p.N166I variant (also known as c.497A>T), located in coding exon 5 of the DSC2 gene, results from an A to T substitution at nucleotide position 497. The asparagine at codon 166 is replaced by isoleucine, an amino acid with dissimilar properties. This amino acid position is conserved. In addition, the in silico prediction for this alteration is inconclusive. Based on the available evidence, the clinical significance of this variant remains unclear.

NM_024422.6(DSC2):c.497A>T (p.Asn166Ile)

Gene: DSC2 (desmocollin 2; minus strand). Cytogenetic location: 18q12.1.
Variant type: single nucleotide variant.
Coding change: c.497A>T on transcript NM_024422.6 (MANE Select); coding-DNA position 497, A replaced by T.
Protein change: p.Asn166Ile; replaces asparagine 166 with isoleucine.
Molecular consequence: missense variant.
Genome position (GRCh38, 1-based): chr18:31,089,572, T>A on the plus strand (A>T on the coding strand, the complement: DSC2 is on the minus strand). VCF-style: chr18-31089572-T-A. GRCh37 (hg19) VCF-style: chr18-28669535-T-A.
Other names: c.68A>T, p.Asn23Ile (NM_001406506.1, NM_001406507.1); c.497A>T, p.Asn166Ile (NM_004949.5); short protein forms N166I, N23I.
Identifiers: ClinVar variation 4824032 (VCV004824032.1).